The following is an entry in ClinVar:

ClinVar aggregate classification (germline): Uncertain significance (1 of 4 stars; one submission).

Conditions:
Inborn genetic diseases. Identifiers: MedGen C0950123, MeSH D030342.

gnomAD v4.1: 7 of 1,612,876 alleles (0.00043%); highest among the groups gnomAD compares: African/African-American, 0.0013%; no homozygotes.

Submission:

Ambry Genetics
Classification: Uncertain significance for Inborn genetic diseases. Last evaluated: 2025-03-03. Review status: criteria provided, single submitter. Criteria: Ambry Variant Classification Scheme 2023. Collection method: clinical testing. Allele origin: germline.
Comment: The p.E841Q variant (also known as c.2521G>C), located in coding exon 9 of the MECOM gene, results from a G to C substitution at nucleotide position 2521. The glutamic acid at codon 841 is replaced by glutamine, an amino acid with highly similar properties. This amino acid position is conserved. In addition, this alteration is predicted to be tolerated by in silico analysis. Based on the available evidence, the clinical significance of this variant remains unclear.

NM_004991.4(MECOM):c.2521G>C (p.Glu841Gln)

Gene: MECOM (MDS1 and EVI1 complex locus; minus strand). Cytogenetic location: 3q26.2.
Variant type: single nucleotide variant.
Coding change: c.2521G>C on transcript NM_004991.4 (MANE Select); coding-DNA position 2521, G replaced by C.
Protein change: p.Glu841Gln; replaces glutamic acid 841 with glutamine.
Molecular consequence: missense variant.
Genome position (GRCh38, 1-based): chr3:169,112,843, C>G on the plus strand (G>C on the coding strand, the complement: MECOM is on the minus strand). VCF-style: chr3-169112843-C-G. GRCh37 (hg19) VCF-style: chr3-168830631-C-G.
Other names: c.2152G>C, p.Glu718Gln (NM_001105077.4); c.1957G>C, p.Glu653Gln (NM_001105078.4, NM_001164000.2, NM_001205194.2 and 4 more transcripts); c.1960G>C, p.Glu654Gln (NM_001163999.2, NM_001366467.2, NM_001366468.2 and 1 more transcripts); c.2521G>C, p.Glu841Gln (NM_001366466.2); c.1549G>C, p.Glu517Gln (NM_001366473.2); c.985G>C, p.Glu329Gln (NM_001366474.2); short protein forms E517Q, E329Q, E653Q, E654Q, E718Q, E841Q.
Identifiers: ClinVar variation 3871874 (VCV003871874.1).
Genomic context (GRCh38, chr3:169,112,843, plus strand): 5'-TTACTTGTGGGTGAAACAAGAATCCTGGAGAAGGCCTCAAGTATTTCTCTTTTAAAGCTT[C>G]AAGTGGGTCAGTTAGTTTTCTTTTCTCTACTCTGAAAGGTTAAAATTAGATTTTGGAGAT-3'
Protein context (NP_004982.2, residues 831-851): VEKRKLTDPL[Glu841Gln]ALKEKYLRPS